The following is an entry in ClinVar:

NM_004006.3(DMD):c.2195dup (p.His732fs)

Gene: DMD (dystrophin; minus strand). Cytogenetic location: Xp21.1.
Variant type: Duplication.
Coding change: c.2195dup on transcript NM_004006.3 (MANE Select); coding-DNA position 2195, one base duplicated (A; older notation c.2195dupA).
Protein change: p.His732fs; shifts the reading frame from histidine 732.
Molecular consequence: frameshift variant.
Genome position (GRCh38, 1-based): chrX:32,518,105, T duplicated on the plus strand (A on the coding strand, the reverse complement: DMD is on the minus strand). VCF-style (leftmost placement, unchanged base first): chrX-32518104-G-GT. GRCh37 (hg19) VCF-style: chrX-32536221-G-GT.
Other names: c.2171dup, p.His724fs (NM_000109.4); c.2183dup, p.His728fs (NM_004009.3); c.1826dup, p.His609fs (NM_004010.3); short protein forms H609fs, H724fs, H728fs, H732fs.
Identifiers: ClinVar variation 593296 (VCV000593296.11), dbSNP rs1569565192, ClinGen allele CA913190669.

ClinVar aggregate classification (germline): Pathogenic. Review status: criteria provided, multiple submitters, no conflicts (2 of 4 stars). 2 submissions from 2 submitters: Pathogenic (2). Last evaluated 2021-06-21.

Conditions:
Duchenne muscular dystrophy (DMD). Also called: MUSCULAR DYSTROPHY, PSEUDOHYPERTROPHIC PROGRESSIVE, DUCHENNE TYPE; Duchenne Muscular Dystrophy (DMD). Identifiers: Orphanet 98896, MedGen C0013264, MONDO:0010679, OMIM 310200.

Submissions (2):

Labcorp Genetics (formerly Invitae), Labcorp
Classification: Pathogenic for Duchenne muscular dystrophy. Last evaluated: 2021-06-21. Review status: criteria provided, single submitter. Criteria: Invitae Variant Classification Sherloc (09022015). Collection method: clinical testing. Allele origin: germline.
Comment: This sequence change creates a premature translational stop signal (p.His732Glnfs*15) in the DMD gene. It is expected to result in an absent or disrupted protein product. Loss-of-function variants in DMD are known to be pathogenic (PMID: 16770791, 25007885). For these reasons, this variant has been classified as Pathogenic. This variant has not been reported in the literature in individuals with DMD-related conditions. ClinVar contains an entry for this variant (Variation ID: 593296). This variant is not present in population databases (ExAC no frequency).

Eurofins Ntd Llc (ga)
Classification: Pathogenic. Last evaluated: 2017-08-04. Review status: criteria provided, single submitter. Criteria: EGL Classification Definitions 2015. Collection method: clinical testing. Allele origin: germline. Observed: 1 variant allele, 1 hemizygote.

Literature cited by the submitters: PubMed 16770791 (cited by Labcorp Genetics (formerly Invitae), Labcorp); PubMed 25007885 (cited by Labcorp Genetics (formerly Invitae), Labcorp).